The following is an entry in ClinVar:

NM_005655.4(KLF10):c.78T>A (p.Ser26Arg)

Gene: KLF10 (KLF transcription factor 10; minus strand). Cytogenetic location: 8q22.3.
Variant type: single nucleotide variant.
Coding change: c.78T>A on transcript NM_005655.4 (MANE Select); coding-DNA position 78, T replaced by A.
Protein change: p.Ser26Arg; replaces serine 26 with arginine.
Molecular consequence: missense variant. On other transcripts: non-coding transcript variant (2).
Genome position (GRCh38, 1-based): chr8:102,652,356, A>T on the plus strand (T>A on the coding strand, the complement: KLF10 is on the minus strand). VCF-style: chr8-102652356-A-T. GRCh37 (hg19) VCF-style: chr8-103664584-A-T.
Other names: c.45T>A, p.Ser15Arg (NM_001032282.4); short protein forms S26R, S15R.
Identifiers: ClinVar variation 2759409 (VCV002759409.3), dbSNP rs2537072633, ClinGen allele CA371630864.

ClinVar aggregate classification (germline): Uncertain significance (1 of 4 stars; one submission).

Submission:

Labcorp Genetics (formerly Invitae), Labcorp
Classification: Uncertain significance. Last evaluated: 2023-10-17. Review status: criteria provided, single submitter. Criteria: Invitae Variant Classification Sherloc (09022015). Collection method: clinical testing. Allele origin: germline.
Comment: This sequence change replaces serine, which is neutral and polar, with arginine, which is basic and polar, at codon 26 of the KLF10 protein (p.Ser26Arg). This variant is not present in population databases (gnomAD no frequency). This variant has not been reported in the literature in individuals affected with KLF10-related conditions. An algorithm developed to predict the effect of missense changes on protein structure and function (PolyPhen-2) suggests that this variant is likely to be tolerated. In summary, the available evidence is currently insufficient to determine the role of this variant in disease. Therefore, it has been classified as a Variant of Uncertain Significance.